The following is an entry in ClinVar:

ClinVar aggregate classification (germline): Uncertain significance (1 of 4 stars; one submission).

gnomAD v4.1: 22 of 1,614,188 alleles (0.0014%); highest among the groups gnomAD compares: Non-Finnish European, 0.0019%; no homozygotes.

Submission:

Labcorp Genetics (formerly Invitae), Labcorp
Classification: Uncertain significance. Last evaluated: 2025-04-09. Review status: criteria provided, single submitter. Criteria: Invitae Variant Classification Sherloc (09022015). Collection method: clinical testing. Allele origin: germline.
Comment: This sequence change replaces asparagine, which is neutral and polar, with serine, which is neutral and polar, at codon 1617 of the C3 protein (p.Asn1617Ser). This variant is not present in population databases (gnomAD no frequency). This variant has not been reported in the literature in individuals affected with C3-related conditions. An algorithm developed to predict the effect of missense changes on protein structure and function (PolyPhen-2) suggests that this variant is likely to be tolerated. In summary, the available evidence is currently insufficient to determine the role of this variant in disease. Therefore, it has been classified as a Variant of Uncertain Significance.

NM_000064.4(C3):c.4850A>G (p.Asn1617Ser)

Gene: C3 (complement C3; minus strand). Cytogenetic location: 19p13.3.
Variant type: single nucleotide variant.
Coding change: c.4850A>G on transcript NM_000064.4 (MANE Select); coding-DNA position 4850, A replaced by G.
Protein change: p.Asn1617Ser; replaces asparagine 1617 with serine.
Molecular consequence: missense variant.
Genome position (GRCh38, 1-based): chr19:6,678,152, T>C on the plus strand (A>G on the coding strand, the complement: C3 is on the minus strand). VCF-style: chr19-6678152-T-C. GRCh37 (hg19) VCF-style: chr19-6678163-T-C.
Other names: short protein forms N1617S.
Identifiers: ClinVar variation 4716643 (VCV004716643.1).